The following is an entry in ClinVar:

NM_001114753.3(ENG):c.-105del

Gene: ENG (endoglin; minus strand). Cytogenetic location: 9q34.11.
Variant type: Deletion.
Coding change: c.-105del on transcript NM_001114753.3 (MANE Select); 105 bases upstream of the start codon, one base deleted (T; older notation c.-105delT).
Molecular consequence: 5 prime UTR variant.
Genome position (GRCh38, 1-based): chr9:127,854,460, A deleted on the plus strand (T on the coding strand, the reverse complement: ENG is on the minus strand). VCF-style (leftmost placement, unchanged base first): chr9-127854459-GA-G. GRCh37 (hg19) VCF-style: chr9-130616738-GA-G.
Other names: c.-105del (NM_000118.4, NM_001406715.1).
Identifiers: ClinVar variation 4724022 (VCV004724022.1).

ClinVar aggregate classification (germline): Uncertain significance (1 of 4 stars; one submission).

Conditions:
Hereditary hemorrhagic telangiectasia (HHT). Also called: ORW DISEASE; Osler Weber Rendu syndrome; OSLER-RENDU-WEBER DISEASE; Osler hemorrhagic telangiectasia syndrome. Identifiers: Orphanet 774, MedGen C0039445, MONDO:0019180. Disease mechanism: loss of function.

Submission:

Labcorp Genetics (formerly Invitae), Labcorp
Classification: Uncertain significance for Hereditary hemorrhagic telangiectasia. Last evaluated: 2025-07-27. Review status: criteria provided, single submitter. Criteria: Invitae Variant Classification Sherloc (09022015). Collection method: clinical testing. Allele origin: germline.
Comment: This variant occurs in a non-coding region of the ENG gene. It does not change the encoded amino acid sequence of the ENG protein. This variant is not present in population databases (gnomAD no frequency). This variant has not been reported in the literature in individuals affected with ENG-related conditions. Experimental studies and prediction algorithms are not available or were not evaluated, and the functional significance of this variant is currently unknown. In summary, the available evidence is currently insufficient to determine the role of this variant in disease. Therefore, it has been classified as a Variant of Uncertain Significance.